The following is an entry in ClinVar:

NM_004380.3(CREBBP):c.503C>T (p.Thr168Met)

Gene: CREBBP (CREB binding lysine acetyltransferase; minus strand). Cytogenetic location: 16p13.3.
Variant type: single nucleotide variant.
Coding change: c.503C>T on transcript NM_004380.3 (MANE Select); coding-DNA position 503, C replaced by T.
Protein change: p.Thr168Met; replaces threonine 168 with methionine.
Molecular consequence: missense variant.
Genome position (GRCh38, 1-based): chr16:3,850,592, G>A on the plus strand (C>T on the coding strand, the complement: CREBBP is on the minus strand). VCF-style: chr16-3850592-G-A. GRCh37 (hg19) VCF-style: chr16-3900593-G-A.
Other names: c.503C>T, p.Thr168Met (NM_001079846.1); short protein forms T168M.
Identifiers: ClinVar variation 2637656 (VCV002637656.6), dbSNP rs772863270, ClinGen allele CA7870660.
Genomic context (GRCh38, chr16:3,850,592, plus strand): 5'-AGGCCTGGGTGGGTCTGGTTAAAGTTAGCATTCATGCAGATACCAGGTCCAGTCTGTGAC[G>A]TGGCAGGGCTGCTAGTCGCCAGCCCCACTTGCTTTTGTGCTTGCGGATTCAGTGCTTGGG-3'
Protein context (NP_004371.2, residues 158-178): QVGLATSSPA[Thr168Met]SQTGPGICMN

ClinVar aggregate classification (germline): Conflicting classifications of pathogenicity. Review status: criteria provided, conflicting classifications (1 of 4 stars). 3 submissions from 3 submitters: Uncertain significance (1); Likely benign (2). Last evaluated 2025-11-06.

Conditions:
Rubinstein-Taybi syndrome (RSTS). Identifiers: Orphanet 783, MedGen C0035934, MONDO:0019188.
Rubinstein-Taybi syndrome due to CREBBP mutations (RSTS1). Also called: Rubinstein-Taybi syndrome 1; RUBINSTEIN-TAYBI SYNDROME 1, INCOMPLETE; BROAD THUMBS AND GREAT TOES, CHARACTERISTIC FACIES, AND IMPAIRED INTELLECTUAL DEVELOPMENT; RUBINSTEIN SYNDROME; CREBBP-Related Rubinstein-Taybi Syndrome; BROAD THUMB-HALLUX SYNDROME. Identifiers: Orphanet 353277, Orphanet 783, MedGen C4551859, MONDO:0008393, OMIM 180849.
Menke-Hennekam syndrome 1 (MKHK1). Identifiers: MedGen C5193034, MONDO:0020763, OMIM 618332.

Allele frequency attached by ClinVar (database versions not stated): ExAC 0.00001; TOPMed 0.00001; gnomAD 0.00002; gnomAD exomes 0.00003.

Submissions (3):

Women's Health and Genetics/Laboratory Corporation of America, LabCorp
Classification: Likely benign. Last evaluated: 2025-11-06. Review status: criteria provided, single submitter. Criteria: LabCorp Variant Classification Summary - May 2015. Collection method: clinical testing. Allele origin: germline.
Comment: Variant summary: CREBBP c.503C>T (p.Thr168Met) results in a non-conservative amino acid change in the encoded protein sequence. Algorithms developed to predict the effect of missense changes on protein structure and function are either unavailable or do not agree on the potential impact of this missense change. The variant allele was found at a frequency of 1.2e-05 in 251428 control chromosomes (gnomAD v2). It was also reported as 54 heterozygotes in the gnomAD v4 Tdatabase. To our knowledge, no occurrence of c.503C>T in individuals affected with CREBBP-related conditions and no experimental evidence demonstrating its impact on protein function have been reported. ClinVar contains an entry for this variant (Variation ID: 2637656). Based on the evidence outlined above, the variant was classified as likely benign.

Labcorp Genetics (formerly Invitae), Labcorp
Classification: Likely benign for Rubinstein-Taybi syndrome. Last evaluated: 2025-08-11. Review status: criteria provided, single submitter. Criteria: Invitae Variant Classification Sherloc (09022015). Collection method: clinical testing. Allele origin: germline.

Fulgent Genetics
Classification: Uncertain significance for Rubinstein-Taybi syndrome due to CREBBP mutations; Menke-Hennekam syndrome 1. Last evaluated: 2024-01-08. Review status: criteria provided, single submitter. Criteria: ACMG Guidelines, 2015. Collection method: clinical testing. Allele origin: germline.